The following is an entry in ClinVar:

NM_000260.4(MYO7A):c.2829G>A (p.Val943=)

Gene: MYO7A (myosin VIIA; plus strand). Cytogenetic location: 11q13.5.
Variant type: single nucleotide variant.
Coding change: c.2829G>A on transcript NM_000260.4 (MANE Select); coding-DNA position 2829, G replaced by A.
Protein change: p.Val943=; no amino-acid change (valine 943 retained).
Molecular consequence: synonymous variant.
Genome position (GRCh38, 1-based): chr11:77,181,514, G>A. VCF-style: chr11-77181514-G-A. GRCh37 (hg19) VCF-style: chr11-76892560-G-A.
Other names: c.2829G>A, p.Val943= (NM_001127180.2); c.2796G>A, p.Val932= (NM_001369365.1).
Identifiers: ClinVar variation 164683 (VCV000164683.4), dbSNP rs797044494, ClinGen allele CA177386.

ClinVar aggregate classification (germline): Likely benign (1 of 4 stars; one submission).

Submission:

Laboratory for Molecular Medicine, Mass General Brigham Personalized Medicine
Classification: Likely benign. Last evaluated: 2014-06-05. Review status: criteria provided, single submitter. Criteria: LMM Criteria. Collection method: clinical testing. Allele origin: germline. Observed: 1 variant allele.
Comment: Val943Val in exon 23 of MYO7A: This variant is not expected to have clinical sig nificance because it does not alter an amino acid residue and is not located wit hin the splice consensus sequence.